The following is an entry in ClinVar:

NM_033305.3(VPS13A):c.5410A>G (p.Ile1804Val)

Gene: VPS13A (vacuolar protein sorting 13 homolog A; plus strand). Cytogenetic location: 9q21.2.
Variant type: single nucleotide variant.
Coding change: c.5410A>G on transcript NM_033305.3 (MANE Select); coding-DNA position 5410, A replaced by G.
Protein change: p.Ile1804Val; replaces isoleucine 1804 with valine.
Molecular consequence: missense variant.
Genome position (GRCh38, 1-based): chr9:77,319,668, A>G. VCF-style: chr9-77319668-A-G. GRCh37 (hg19) VCF-style: chr9-79934584-A-G.
Other names: c.5293A>G, p.Ile1765Val (NM_001018037.2); c.5410A>G, p.Ile1804Val (NM_001018038.3, NM_015186.4); c.5410A>G (NM_033305.2); short protein forms I1765V, I1804V.
Identifiers: ClinVar variation 2139376 (VCV002139376.2), dbSNP rs763655115, ClinGen allele CA5092763.

ClinVar aggregate classification (germline): Uncertain significance. Review status: criteria provided, multiple submitters, no conflicts (2 of 4 stars). 2 submissions from 2 submitters: Uncertain significance (2). Last evaluated 2025-09-28.

Conditions:
Inborn genetic diseases. Identifiers: MedGen C0950123, MeSH D030342.

Allele frequency attached by ClinVar (database versions not stated): gnomAD 0.00002; gnomAD exomes 0.00005; TOPMed 0.00001; ExAC 0.00001.
gnomAD v4.1: 75 of 1,540,572 alleles (0.0049%); highest among the groups gnomAD compares: Non-Finnish European, 0.0066%; no homozygotes.

Submissions (2):

Ambry Genetics
Classification: Uncertain significance for Inborn genetic diseases. Last evaluated: 2025-09-28. Review status: criteria provided, single submitter. Criteria: Ambry Variant Classification Scheme 2023. Collection method: clinical testing. Allele origin: germline.

Labcorp Genetics (formerly Invitae), Labcorp
Classification: Uncertain significance. Last evaluated: 2022-04-14. Review status: criteria provided, single submitter. Criteria: Invitae Variant Classification Sherloc (09022015). Collection method: clinical testing. Allele origin: germline.
Comment: This sequence change replaces isoleucine, which is neutral and non-polar, with valine, which is neutral and non-polar, at codon 1804 of the VPS13A protein (p.Ile1804Val). This variant is present in population databases (rs763655115, gnomAD 0.003%). This variant has not been reported in the literature in individuals affected with VPS13A-related conditions. Algorithms developed to predict the effect of missense changes on protein structure and function (SIFT, PolyPhen-2, Align-GVGD) all suggest that this variant is likely to be tolerated. In summary, the available evidence is currently insufficient to determine the role of this variant in disease. Therefore, it has been classified as a Variant of Uncertain Significance.